The following is an entry in ClinVar:

ClinVar aggregate classification (germline): Uncertain significance (1 of 4 stars; one submission).

Submission:

Ambry Genetics
Classification: Uncertain significance. Last evaluated: 2024-10-11. Review status: criteria provided, single submitter. Criteria: Ambry Variant Classification Scheme 2023. Collection method: clinical testing. Allele origin: germline.
Comment: The p.Y431S variant (also known as c.1292A>C), located in coding exon 13 of the PRKDC gene, results from an A to C substitution at nucleotide position 1292. The tyrosine at codon 431 is replaced by serine, an amino acid with dissimilar properties. This amino acid position is conserved. In addition, the in silico prediction for this alteration is inconclusive. Based on the available evidence, the clinical significance of this variant remains unclear.

NM_006904.7(PRKDC):c.1292A>C (p.Tyr431Ser)

Gene: PRKDC (protein kinase, DNA-activated, catalytic subunit; minus strand). Cytogenetic location: 8q11.21.
Variant type: single nucleotide variant.
Coding change: c.1292A>C on transcript NM_006904.7 (MANE Select); coding-DNA position 1292, A replaced by C.
Protein change: p.Tyr431Ser; replaces tyrosine 431 with serine.
Molecular consequence: missense variant.
Genome position (GRCh38, 1-based): chr8:47,935,887, T>G on the plus strand (A>C on the coding strand, the complement: PRKDC is on the minus strand). VCF-style: chr8-47935887-T-G. GRCh37 (hg19) VCF-style: chr8-48848447-T-G.
Other names: c.1292A>C, p.Tyr431Ser (NM_001081640.2); short protein forms Y431S.
Identifiers: ClinVar variation 3425351 (VCV003425351.1).